The following is an entry in ClinVar:

NM_002432.3(MNDA):c.1073A>G (p.Asn358Ser)

Gene: MNDA (myeloid cell nuclear differentiation antigen; plus strand). Cytogenetic location: 1q23.1.
Variant type: single nucleotide variant.
Coding change: c.1073A>G on transcript NM_002432.3 (MANE Select); coding-DNA position 1073, A replaced by G.
Protein change: p.Asn358Ser; replaces asparagine 358 with serine.
Molecular consequence: missense variant.
Genome position (GRCh38, 1-based): chr1:158,847,813, A>G. VCF-style: chr1-158847813-A-G. GRCh37 (hg19) VCF-style: chr1-158817603-A-G.
Other names: short protein forms N358S.
Identifiers: ClinVar variation 1784055 (VCV001784055.2), dbSNP rs2526092567, ClinGen allele CA343044227.
Genomic context (GRCh38, chr1:158,847,813, plus strand): 5'-TTTATGAAATACAGGATAATACAGGATCCATGGATGTAGTGGGGAGTGGAAAATGGCACA[A>G]TATCAAGTGTGAGAAAGGAGATAAACTTCGACTCTTCTGCCTTCAACTGAGAACAGTTGA-3'
Protein context (NP_002423.1, residues 348-368): MDVVGSGKWH[Asn358Ser]IKCEKGDKLR

ClinVar aggregate classification (germline): Uncertain significance (1 of 4 stars; one submission).

Allele frequency attached by ClinVar (database versions not stated): gnomAD exomes below 0.00001.
gnomAD v4.1: 3 of 1,614,110 alleles (0.00019%); highest among the groups gnomAD compares: Non-Finnish European, 0.00025%; no homozygotes.

Submission:

Ambry Genetics
Classification: Uncertain significance. Last evaluated: 2021-09-09. Review status: criteria provided, single submitter. Criteria: Ambry Variant Classification Scheme 2023. Collection method: clinical testing. Allele origin: germline.
Comment: The p.N358S variant (also known as c.1073A>G), located in coding exon 5 of the MNDA gene, results from an A to G substitution at nucleotide position 1073. The asparagine at codon 358 is replaced by serine, an amino acid with highly similar properties. This amino acid position is conserved. In addition, this alteration is predicted to be tolerated by in silico analysis. Since supporting evidence is limited at this time, the clinical significance of this alteration remains unclear.